The following is an entry in ClinVar:

ClinVar aggregate classification (germline): Uncertain significance. Review status: criteria provided, multiple submitters, no conflicts (2 of 4 stars). 3 submissions from 3 submitters: Uncertain significance (2). 1 of the submissions does not count toward it. Last evaluated 2022-07-19.

Conditions:
Multiple acyl-CoA dehydrogenase deficiency (MADD). Also called: Glutaric acidemia type II; GA 2; ETHYLMALONIC-ADIPICACIDURIA; GA II; Glutaric aciduria, type 2; Glutaric Acidemia type 2. Identifiers: Orphanet 26791, MedGen C0268596, MONDO:0009282, OMIM 231680.

Allele frequency attached by ClinVar (database versions not stated): gnomAD 0.00001.
gnomAD v4.1: 2 of 1,611,400 alleles (0.00012%); highest among the groups gnomAD compares: African/African-American, 0.0027%; no homozygotes.

Submissions (3):

Labcorp Genetics (formerly Invitae), Labcorp
Classification: Uncertain significance for Multiple acyl-CoA dehydrogenase deficiency. Last evaluated: 2022-07-19. Review status: criteria provided, single submitter. Criteria: Invitae Variant Classification Sherloc (09022015). Collection method: clinical testing. Allele origin: germline.
Comment: This sequence change replaces glycine, which is neutral and non-polar, with arginine, which is basic and polar, at codon 460 of the ETFDH protein (p.Gly460Arg). This variant is not present in population databases (gnomAD no frequency). This variant has not been reported in the literature in individuals affected with ETFDH-related conditions. ClinVar contains an entry for this variant (Variation ID: 990937). Advanced modeling of protein sequence and biophysical properties (such as structural, functional, and spatial information, amino acid conservation, physicochemical variation, residue mobility, and thermodynamic stability) performed at Invitae indicates that this missense variant is not expected to disrupt ETFDH protein function. Algorithms developed to predict the effect of sequence changes on RNA splicing suggest that this variant may create or strengthen a splice site. In summary, the available evidence is currently insufficient to determine the role of this variant in disease. Therefore, it has been classified as a Variant of Uncertain Significance.

Fulgent Genetics
Classification: Uncertain significance for Multiple acyl-CoA dehydrogenase deficiency. Last evaluated: 2021-10-01. Review status: criteria provided, single submitter. Criteria: ACMG Guidelines, 2015. Collection method: clinical testing. Allele origin: unknown.

Natera, Inc.
Classification: Uncertain significance for Glutaric aciduria type 2. Last evaluated: 2020-10-30. Review status: no assertion criteria provided. Collection method: clinical testing. Allele origin: germline. Not counted in ClinVar's aggregate classification.

NM_004453.4(ETFDH):c.1378G>A (p.Gly460Arg)

Gene: ETFDH (electron transfer flavoprotein dehydrogenase; plus strand). Cytogenetic location: 4q32.1.
Variant type: single nucleotide variant.
Coding change: c.1378G>A on transcript NM_004453.4 (MANE Select); coding-DNA position 1378, G replaced by A.
Protein change: p.Gly460Arg; replaces glycine 460 with arginine.
Molecular consequence: missense variant.
Genome position (GRCh38, 1-based): chr4:158,706,281, G>A. VCF-style: chr4-158706281-G-A. GRCh37 (hg19) VCF-style: chr4-159627433-G-A.
Other names: c.1237G>A, p.Gly413Arg (NM_001281737.2); c.1195G>A, p.Gly399Arg (NM_001281738.1); short protein forms G399R, G413R, G460R.
Identifiers: ClinVar variation 990937 (VCV000990937.7), dbSNP rs989125087, ClinGen allele CA108819092.